The following is an entry in ClinVar:

ClinVar aggregate classification (germline): Uncertain significance (1 of 4 stars; one submission).

Submission:

GeneDx
Classification: Uncertain significance. Last evaluated: 2025-06-12. Review status: criteria provided, single submitter. Criteria: GeneDx Variant Classification Process June 2021. Collection method: clinical testing. Allele origin: germline. Affected: yes.
Comment: Not observed at significant frequency in large population cohorts (gnomAD); In silico analysis supports that this missense variant has a deleterious effect on protein structure/function; Has not been previously published as pathogenic or benign to our knowledge

NM_002471.4(MYH6):c.2309G>T (p.Gly770Val)

Gene: MYH6 (myosin heavy chain 6; minus strand). Cytogenetic location: 14q11.2.
Variant type: single nucleotide variant.
Coding change: c.2309G>T on transcript NM_002471.4 (MANE Select); coding-DNA position 2309, G replaced by T.
Protein change: p.Gly770Val; replaces glycine 770 with valine.
Molecular consequence: missense variant.
Genome position (GRCh38, 1-based): chr14:23,396,404, C>A on the plus strand (G>T on the coding strand, the complement: MYH6 is on the minus strand). VCF-style: chr14-23396404-C-A. GRCh37 (hg19) VCF-style: chr14-23865613-C-A.
Other names: short protein forms G770V.
Identifiers: ClinVar variation 4538661 (VCV004538661.1).
Genomic context (GRCh38, chr14:23,396,404, plus strand): 5'-ATGCGCGTGATGATGCGGCTCAGCCTCTCATCCCGCATCTCCTCCAGCAGCCCAAGCAGC[C>A]CTGCCTTGAAGAACACCTGCAGGCAAGGGGTAGATGCAACAGGCCGCAGCCTCAGAGGGG-3'
Protein context (NP_002462.2, residues 760-780): FGHTKVFFKA[Gly770Val]LLGLLEEMRD